The following is an entry in ClinVar:

NM_002335.4(LRP5):c.2431A>T (p.Ile811Phe)

Gene: LRP5 (LDL receptor related protein 5; plus strand). Cytogenetic location: 11q13.2.
Variant type: single nucleotide variant.
Coding change: c.2431A>T on transcript NM_002335.4 (MANE Select); coding-DNA position 2431, A replaced by T.
Protein change: p.Ile811Phe; replaces isoleucine 811 with phenylalanine.
Molecular consequence: missense variant.
Genome position (GRCh38, 1-based): chr11:68,411,548, A>T. VCF-style: chr11-68411548-A-T. GRCh37 (hg19) VCF-style: chr11-68179016-A-T.
Other names: c.688A>T, p.Ile230Phe (NM_001291902.2); short protein forms I230F, I811F.
Identifiers: ClinVar variation 1514098 (VCV001514098.6), dbSNP rs758364834, ClinGen allele CA381617201.

ClinVar aggregate classification (germline): Uncertain significance (1 of 4 stars; one submission).

gnomAD v4.1: 3 of 1,613,866 alleles (0.00019%); highest among the groups gnomAD compares: Non-Finnish European, 0.00025%; no homozygotes.

Submission:

Labcorp Genetics (formerly Invitae), Labcorp
Classification: Uncertain significance. Last evaluated: 2021-08-19. Review status: criteria provided, single submitter. Criteria: Invitae Variant Classification Sherloc (09022015). Collection method: clinical testing. Allele origin: germline.
Comment: In summary, the available evidence is currently insufficient to determine the role of this variant in disease. Therefore, it has been classified as a Variant of Uncertain Significance. Advanced modeling of protein sequence and biophysical properties (such as structural, functional, and spatial information, amino acid conservation, physicochemical variation, residue mobility, and thermodynamic stability) performed at Invitae indicates that this missense variant is expected to disrupt LRP5 protein function. This variant has not been reported in the literature in individuals affected with LRP5-related conditions. This variant is not present in population databases (ExAC no frequency). This sequence change replaces isoleucine with phenylalanine at codon 811 of the LRP5 protein (p.Ile811Phe). The isoleucine residue is highly conserved and there is a small physicochemical difference between isoleucine and phenylalanine.